The following is an entry in ClinVar:

ClinVar aggregate classification (germline): Uncertain significance (1 of 4 stars; one submission).

Conditions:
Dyskeratosis congenita. Identifiers: Orphanet 1775, MedGen C0265965, MONDO:0015780.

Allele frequency attached by ClinVar (database versions not stated): ExAC 0.00001; gnomAD 0.00001; TOPMed 0.00001.
gnomAD v4.1: 8 of 1,612,006 alleles (0.0005%); highest among the groups gnomAD compares: Non-Finnish European, 0.00068%; no homozygotes.

Submission:

Labcorp Genetics (formerly Invitae), Labcorp
Classification: Uncertain significance for Dyskeratosis congenita. Last evaluated: 2024-08-06. Review status: criteria provided, single submitter. Criteria: Invitae Variant Classification Sherloc (09022015). Collection method: clinical testing. Allele origin: germline.
Comment: This sequence change replaces phenylalanine, which is neutral and non-polar, with leucine, which is neutral and non-polar, at codon 160 of the CTC1 protein (p.Phe160Leu). This variant is present in population databases (rs758526155, gnomAD 0.007%). This variant has not been reported in the literature in individuals affected with CTC1-related conditions. ClinVar contains an entry for this variant (Variation ID: 2154359). Advanced modeling of protein sequence and biophysical properties (such as structural, functional, and spatial information, amino acid conservation, physicochemical variation, residue mobility, and thermodynamic stability) performed at Invitae indicates that this missense variant is not expected to disrupt CTC1 protein function with a negative predictive value of 80%. In summary, the available evidence is currently insufficient to determine the role of this variant in disease. Therefore, it has been classified as a Variant of Uncertain Significance.

NM_025099.6(CTC1):c.480C>G (p.Phe160Leu)

Gene: CTC1 (CST telomere replication complex component 1; minus strand). Cytogenetic location: 17p13.1.
Variant type: single nucleotide variant.
Coding change: c.480C>G on transcript NM_025099.6 (MANE Select); coding-DNA position 480, C replaced by G.
Protein change: p.Phe160Leu; replaces phenylalanine 160 with leucine.
Molecular consequence: missense variant. On other transcripts: non-coding transcript variant (1).
Genome position (GRCh38, 1-based): chr17:8,238,198, G>C on the plus strand (C>G on the coding strand, the complement: CTC1 is on the minus strand). VCF-style: chr17-8238198-G-C. GRCh37 (hg19) VCF-style: chr17-8141516-G-C.
Other names: c.480C>G, p.Phe160Leu (NM_001411067.1); short protein forms F160L.
Identifiers: ClinVar variation 2154359 (VCV002154359.4), dbSNP rs758526155, ClinGen allele CA8372620.
Genomic context (GRCh38, chr17:8,238,198, plus strand): 5'-CTCCAAGTGCCCTTCCCCTGAGGAATTCCACCTGGCAGGAGGGAGGTAACTCCAACGGGG[G>C]AACAGAAAAAGATGGCCCAACCAAGAAAGGTCCAGGTCTATGAGCTAAGAAAGACCAAGA-3'
Protein context (NP_079375.3, residues 150-170): DLSWLGHLFL[Phe160Leu]PRWSYLPPAR